The following is an entry in ClinVar:

ClinVar aggregate classification (germline): Uncertain significance (1 of 4 stars; one submission).

Conditions:
Neuropathy, hereditary sensory and autonomic, type 2A (HSAN2A). Also called: MORVAN DISEASE; NEUROPATHY, CONGENITAL SENSORY; NEUROPATHY, HEREDITARY SENSORY RADICULAR, AUTOSOMAL RECESSIVE; NEUROPATHY, HEREDITARY SENSORY, TYPE IIA; NEUROPATHY, PROGRESSIVE SENSORY, OF CHILDREN; HSAN IIA. Identifiers: Orphanet 970, MedGen C2752089, MONDO:0024309, OMIM 201300.
Generalized epilepsy with febrile seizures plus, type 7 (GEFSP7). Also called: GEFS+, TYPE 7. Identifiers: Orphanet 36387, MedGen C2751778, MONDO:0013470, OMIM 613863.

Submission:

Labcorp Genetics (formerly Invitae), Labcorp
Classification: Uncertain significance for Neuropathy, hereditary sensory and autonomic, type 2A; Generalized epilepsy with febrile seizures plus, type 7. Last evaluated: 2023-12-02. Review status: criteria provided, single submitter. Criteria: Invitae Variant Classification Sherloc (09022015). Collection method: clinical testing. Allele origin: germline.
Comment: This sequence change affects codon 331 of the SCN9A mRNA. It is a 'silent' change, meaning that it does not change the encoded amino acid sequence of the SCN9A protein. This variant is not present in population databases (gnomAD no frequency). This variant has not been reported in the literature in individuals affected with SCN9A-related conditions. Algorithms developed to predict the effect of sequence changes on RNA splicing suggest that this variant may disrupt the consensus splice site. In summary, the available evidence is currently insufficient to determine the role of this variant in disease. Therefore, it has been classified as a Variant of Uncertain Significance.

NM_001365536.1(SCN9A):c.993G>T (p.Val331=)

Genes: SCN9A (sodium voltage-gated channel alpha subunit 9; minus strand), SCN1A-AS1 (SCN1A and SCN9A antisense RNA 1; plus strand). Cytogenetic location: 2q24.3.
Variant type: single nucleotide variant.
Coding change: c.993G>T on transcript NM_001365536.1 (MANE Select); coding-DNA position 993, G replaced by T.
Protein change: p.Val331=; no amino-acid change (valine 331 retained).
Molecular consequence: synonymous variant.
Genome position (GRCh38, 1-based): chr2:166,293,345, C>A on the plus strand (G>T on the coding strand, the complement: SCN9A is on the minus strand). VCF-style: chr2-166293345-C-A. GRCh37 (hg19) VCF-style: chr2-167149855-C-A.
Other names: c.993G>T, p.Val331= (NM_002977.4).
Identifiers: ClinVar variation 2954386 (VCV002954386.3), dbSNP rs2468067388, ClinGen allele CA429905963.